The following is an entry in ClinVar:

ClinVar aggregate classification (germline): Uncertain significance. Review status: criteria provided, multiple submitters, no conflicts (2 of 4 stars). 2 submissions from 2 submitters: Uncertain significance (2). Last evaluated 2026-07-04.

Conditions:
Familial cancer of breast. Also called: Hereditary breast cancer; BREAST CANCER, FAMILIAL; hereditary breast carcinoma. Identifiers: Orphanet 227535, MedGen C0346153, MONDO:0016419, OMIM 114480. Disease mechanism: loss of function.
Hereditary cancer-predisposing syndrome. Also called: Tumor predisposition; Hereditary neoplastic syndrome; Hereditary Cancer Syndrome; Neoplastic Syndromes, Hereditary. Identifiers: Orphanet 140162, MedGen C0027672, MeSH D009386, MONDO:0015356.

Submissions (2):

Ambry Genetics
Classification: Uncertain significance for Hereditary cancer-predisposing syndrome. Last evaluated: 2026-07-04. Review status: criteria provided, single submitter. Criteria: Ambry Variant Classification Scheme 2023. Collection method: clinical testing. Allele origin: germline.
Comment: The p.H683R variant (also known as c.2048A>G), located in coding exon 5 of the PALB2 gene, results from an A to G substitution at nucleotide position 2048. The histidine at codon 683 is replaced by arginine, an amino acid with highly similar properties. This amino acid position is conserved. In addition, this alteration is predicted to be tolerated by in silico analysis. Based on the available evidence, the clinical significance of this variant remains unclear.

Labcorp Genetics (formerly Invitae), Labcorp
Classification: Uncertain significance for Familial cancer of breast. Last evaluated: 2025-03-19. Review status: criteria provided, single submitter. Criteria: Invitae Variant Classification Sherloc (09022015). Collection method: clinical testing. Allele origin: germline.
Comment: This sequence change replaces histidine, which is basic and polar, with arginine, which is basic and polar, at codon 683 of the PALB2 protein (p.His683Arg). This variant is not present in population databases (gnomAD no frequency). This variant has not been reported in the literature in individuals affected with PALB2-related conditions. Invitae Evidence Modeling of protein sequence and biophysical properties (such as structural, functional, and spatial information, amino acid conservation, physicochemical variation, residue mobility, and thermodynamic stability) has been performed for this missense variant. However, the output from this modeling did not meet the statistical confidence thresholds required to predict the impact of this variant on PALB2 protein function. In summary, the available evidence is currently insufficient to determine the role of this variant in disease. Therefore, it has been classified as a Variant of Uncertain Significance.

NM_024675.4(PALB2):c.2048A>G (p.His683Arg)

Gene: PALB2 (partner and localizer of BRCA2; minus strand). Cytogenetic location: 16p12.2.
Variant type: single nucleotide variant.
Coding change: c.2048A>G on transcript NM_024675.4 (MANE Select); coding-DNA position 2048, A replaced by G.
Protein change: p.His683Arg; replaces histidine 683 with arginine.
Molecular consequence: missense variant. On other transcripts: intron variant (1).
Genome position (GRCh38, 1-based): chr16:23,630,106, T>C on the plus strand (A>G on the coding strand, the complement: PALB2 is on the minus strand). VCF-style: chr16-23630106-T-C. GRCh37 (hg19) VCF-style: chr16-23641427-T-C.
Other names: c.2048A>G, p.His683Arg (NM_001407299.1, NM_001407300.1, NM_001407301.1 and 3 more transcripts); c.1163A>G, p.His388Arg (NM_001407304.1, NM_001407305.1, NM_001407306.1 and 5 more transcripts); c.1988A>G, p.His663Arg (NM_001407296.1); c.260A>G, p.His87Arg (NM_001407312.1, NM_001407313.1); c.49-831A>G (NM_001407314.1); short protein forms H683R, H388R, H663R, H87R.
Identifiers: ClinVar variation 3667606 (VCV003667606.3).